The following is an entry in ClinVar:

ClinVar aggregate classification (germline): Uncertain significance. Review status: reviewed by expert panel (3 of 4 stars). 3 submissions from 3 submitters: Uncertain significance (1). 2 of the submissions do not count toward it. Last evaluated 2024-09-25.

Conditions:
Inborn genetic diseases. Identifiers: MedGen C0950123, MeSH D030342.
Hereditary thrombocytopenia and hematological cancer predisposition syndrome associated with RUNX1. Also called: Familial thrombocytopenia with propensity to acute myelogenous leukemia; PLATELET DISORDER, ASPIRIN-LIKE; RUNX1 Familial Platelet Disorder with Associated Myeloid Malignancies; Familial Platelet Disorder with Propensity to Acute Myelogenous Leukemia. Identifiers: Orphanet 71290, MedGen C1832388, MeSH C563324, MONDO:0100083, OMIM 601399.
Hereditary thrombocytopenia and hematologic cancer predisposition syndrome. Identifiers: Orphanet 71290, MedGen CN281654, MONDO:0011071.

Submissions (3):

ClinGen Myeloid Malignancy Variant Curation Expert Panel
Classification: Uncertain significance for Hereditary thrombocytopenia and hematologic cancer predisposition syndrome. Last evaluated: 2024-09-25. Review status: reviewed by expert panel. Criteria: ClinGen MyeloMalig ACMG Specifications v2. Collection method: curation. Allele origin: germline. Inheritance: Autosomal dominant inheritance.
Comment: NM_001754.5(RUNX1):c.1154A>G (p.Tyr385Cys) is a missense variant which is completely absent from all population databases with at least 20x coverage for RUNX1 (PM2_Supporting). In summary, the clinical significance of this variant is uncertain. ACMG/AMP criteria applied, as specified by the Myeloid Malignancy Variant Curation Expert Panel for RUNX1: PM2_supporting.

Ambry Genetics
Classification: Uncertain significance for Inborn genetic diseases. Last evaluated: 2025-02-21. Review status: criteria provided, single submitter. Criteria: Ambry Variant Classification Scheme 2023. Collection method: clinical testing. Allele origin: germline. Not counted in ClinVar's aggregate classification.
Comment: The p.Y385C variant (also known as c.1154A>G), located in coding exon 8 of the RUNX1 gene, results from an A to G substitution at nucleotide position 1154. The tyrosine at codon 385 is replaced by cysteine, an amino acid with highly dissimilar properties. This amino acid position is highly conserved in available vertebrate species. In addition, this alteration is predicted to be deleterious by in silico analysis. Based on the available evidence, the clinical significance of this variant remains unclear.

Labcorp Genetics (formerly Invitae), Labcorp
Classification: Uncertain significance for Hereditary thrombocytopenia and hematological cancer predisposition syndrome associated with RUNX1. Last evaluated: 2024-03-27. Review status: criteria provided, single submitter. Criteria: Invitae Variant Classification Sherloc (09022015). Collection method: clinical testing. Allele origin: germline. Not counted in ClinVar's aggregate classification.
Comment: This sequence change replaces tyrosine, which is neutral and polar, with cysteine, which is neutral and slightly polar, at codon 385 of the RUNX1 protein (p.Tyr385Cys). This variant is not present in population databases (gnomAD no frequency). This variant has not been reported in the literature in individuals affected with RUNX1-related conditions. ClinVar contains an entry for this variant (Variation ID: 1018068). Advanced modeling of protein sequence and biophysical properties (such as structural, functional, and spatial information, amino acid conservation, physicochemical variation, residue mobility, and thermodynamic stability) has been performed at Invitae for this missense variant, however the output from this modeling did not meet the statistical confidence thresholds required to predict the impact of this variant on RUNX1 protein function. In summary, the available evidence is currently insufficient to determine the role of this variant in disease. Therefore, it has been classified as a Variant of Uncertain Significance.

NM_001754.5(RUNX1):c.1154A>G (p.Tyr385Cys)

Gene: RUNX1 (RUNX family transcription factor 1; minus strand). Cytogenetic location: 21q22.12.
Variant type: single nucleotide variant.
Coding change: c.1154A>G on transcript NM_001754.5 (MANE Select); coding-DNA position 1154, A replaced by G.
Protein change: p.Tyr385Cys; replaces tyrosine 385 with cysteine.
Molecular consequence: missense variant.
Genome position (GRCh38, 1-based): chr21:34,792,424, T>C on the plus strand (A>G on the coding strand, the complement: RUNX1 is on the minus strand). VCF-style: chr21-34792424-T-C. GRCh37 (hg19) VCF-style: chr21-36164721-T-C.
Other names: NM_001754.5(RUNX1):c.1154A>G; p.Tyr385Cys; c.1154A>G (NM_001754.4); c.1073A>G, p.Tyr358Cys (NM_001001890.3); short protein forms Y358C, Y385C.
Identifiers: ClinVar variation 1018068 (VCV001018068.10), dbSNP rs2056456351, ClinGen allele CA410147938.